The following is an entry in ClinVar:

ClinVar aggregate classification (germline): Conflicting classifications of pathogenicity. Review status: criteria provided, conflicting classifications (1 of 4 stars). 4 submissions from 4 submitters: Uncertain significance (1); Likely benign (2). 1 of the submissions does not count toward it. Last evaluated 2026-01-28.

Conditions:
Inborn genetic diseases. Identifiers: MedGen C0950123, MeSH D030342.
Menkes kinky-hair syndrome (MNK). Also called: Classic Menkes Disease; Copper transport disease; Menkes Disease. Identifiers: Orphanet 565, MedGen C0022716, MONDO:0010651, OMIM 309400.
Cutis laxa, X-linked (OHS). Also called: EDS IX; Occipital horn syndrome. Identifiers: Orphanet 198, MedGen C0268353, MONDO:0010572, OMIM 304150.
X-linked distal spinal muscular atrophy type 3. Also called: NEURONOPATHY, DISTAL HEREDITARY MOTOR, X-LINKED; NEUROPATHY, DISTAL HEREDITARY MOTOR, X-LINKED; ATP7A-Related Distal Motor Neuropathy; SPINAL MUSCULAR ATROPHY, DISTAL, X-LINKED RECESSIVE. Identifiers: Orphanet 139557, MedGen C1845359, MONDO:0010338, OMIM 300489.

Allele frequency attached by ClinVar (database versions not stated): ExAC 0.00002; gnomAD 0.00002 and 0.00003; gnomAD exomes 0.00003; TOPMed 0.00003; ESP Exome Variant Server 0.00019.
gnomAD v4.1: 40 of 1,210,170 alleles (0.0033%); highest among the groups gnomAD compares: Non-Finnish European, 0.0044%; no homozygotes.

Submissions (4):

Labcorp Genetics (formerly Invitae), Labcorp
Classification: Likely benign for X-linked distal spinal muscular atrophy type 3; Cutis laxa, X-linked; Menkes kinky-hair syndrome. Last evaluated: 2026-01-28. Review status: criteria provided, single submitter. Criteria: Invitae Variant Classification Sherloc (09022015). Collection method: clinical testing. Allele origin: germline.

Ambry Genetics
Classification: Uncertain significance for Inborn genetic diseases. Last evaluated: 2025-11-11. Review status: criteria provided, single submitter. Criteria: Ambry Variant Classification Scheme 2023. Collection method: clinical testing. Allele origin: germline.

Mayo Clinic Laboratories, Mayo Clinic
Classification: Likely benign. Last evaluated: 2025-02-13. Review status: criteria provided, single submitter. Criteria: ACMG Guidelines, 2015. Collection method: clinical testing. Allele origin: germline. Observed: 1 variant allele.
Comment: BS2, BP4

Natera, Inc.
Classification: Uncertain significance for Menkes kinky hair syndrome. Last evaluated: 2019-10-28. Review status: no assertion criteria provided. Collection method: clinical testing. Allele origin: germline. Not counted in ClinVar's aggregate classification.

NM_000052.7(ATP7A):c.2725G>A (p.Ala909Thr)

Gene: ATP7A (ATPase copper transporting alpha; plus strand). Cytogenetic location: Xq21.1.
Variant type: single nucleotide variant.
Coding change: c.2725G>A on transcript NM_000052.7 (MANE Select); coding-DNA position 2725, G replaced by A.
Protein change: p.Ala909Thr; replaces alanine 909 with threonine.
Molecular consequence: missense variant.
Genome position (GRCh38, 1-based): chrX:78,020,342, G>A. VCF-style: chrX-78020342-G-A. GRCh37 (hg19) VCF-style: chrX-77275839-G-A.
Other names: p.Ala909Thr; c.2725G>A (NM_000052.4); c.2491G>A, p.Ala831Thr (NM_001282224.2); short protein forms A909T, A831T.
Identifiers: ClinVar variation 533670 (VCV000533670.16), dbSNP rs146119866, ClinGen allele CA10459317.